The following is an entry in ClinVar:

ClinVar aggregate classification (germline): Uncertain significance (1 of 4 stars; one submission).

Conditions:
Immunodeficiency, common variable, 10. Also called: IMMUNODEFICIENCY, COMMON VARIABLE, WITH CENTRAL ADRENAL INSUFFICIENCY; DEFICIT IN ANTERIOR PITUITARY FUNCTION AND VARIABLE IMMUNODEFICIENCY. Identifiers: MedGen C3809991, MONDO:0014260, OMIM 615577.

Allele frequency attached by ClinVar (database versions not stated): gnomAD 0.00001 and 0.00003; gnomAD exomes 0.00001 and 0.00003; ExAC 0.00003; TOPMed 0.00005; ESP Exome Variant Server 0.00008.
gnomAD v4.1: 46 of 1,613,732 alleles (0.0029%); highest among the groups gnomAD compares: East Asian, 0.016%; no homozygotes.

Submission:

Labcorp Genetics (formerly Invitae), Labcorp
Classification: Uncertain significance for Immunodeficiency, common variable, 10. Last evaluated: 2023-08-17. Review status: criteria provided, single submitter. Criteria: Invitae Variant Classification Sherloc (09022015). Collection method: clinical testing. Allele origin: germline.
Comment: The frequency data for this variant in the population databases is considered unreliable, as metrics indicate poor data quality at this position in the gnomAD database. This sequence change replaces arginine, which is basic and polar, with cysteine, which is neutral and slightly polar, at codon 801 of the NFKB2 protein (p.Arg801Cys). This variant has not been reported in the literature in individuals affected with NFKB2-related conditions. In summary, the available evidence is currently insufficient to determine the role of this variant in disease. Therefore, it has been classified as a Variant of Uncertain Significance. An algorithm developed to predict the effect of missense changes on protein structure and function (PolyPhen-2) suggests that this variant is likely to be tolerated. ClinVar contains an entry for this variant (Variation ID: 1444426).

NM_001322934.2(NFKB2):c.2401C>T (p.Arg801Cys)

Gene: NFKB2 (nuclear factor kappa B subunit 2; plus strand). Cytogenetic location: 10q24.32.
Variant type: single nucleotide variant.
Coding change: c.2401C>T on transcript NM_001322934.2 (MANE Select); coding-DNA position 2401, C replaced by T.
Protein change: p.Arg801Cys; replaces arginine 801 with cysteine.
Molecular consequence: missense variant.
Genome position (GRCh38, 1-based): chr10:102,401,852, C>T. VCF-style: chr10-102401852-C-T. GRCh37 (hg19) VCF-style: chr10-104161609-C-T.
Other names: c.2401C>T, p.Arg801Cys (NM_001077494.3, NM_001261403.3, NM_001288724.1 and 1 more transcripts); c.2275C>T, p.Arg759Cys (NM_001322935.1); short protein forms R801C, R759C.
Identifiers: ClinVar variation 1444426 (VCV001444426.8), dbSNP rs371174743, ClinGen allele CA5665071.